The following is an entry in ClinVar:

ClinVar aggregate classification (germline): Uncertain significance (1 of 4 stars; one submission).

Conditions:
Severe myoclonic epilepsy in infancy (DRVT). Also called: DEVELOPMENTAL AND EPILEPTIC ENCEPHALOPATHY 6A; Severe Myoclonic Epilepsy in Infancy (SMEI); Epileptic encephalopathy, early infantile, 6 (Dravet syndrome); Dravet syndrome; SEVERE MYOCLONIC EPILEPSY OF INFANCY. Identifiers: Orphanet 33069, MedGen C0751122, MONDO:0100135, OMIM 607208.

Submission:

Labcorp Genetics (formerly Invitae), Labcorp
Classification: Uncertain significance for Severe myoclonic epilepsy in infancy. Last evaluated: 2021-12-31. Review status: criteria provided, single submitter. Criteria: Invitae Variant Classification Sherloc (09022015). Collection method: clinical testing. Allele origin: germline.
Comment: In summary, the available evidence is currently insufficient to determine the role of this variant in disease. Therefore, it has been classified as a Variant of Uncertain Significance. Algorithms developed to predict the effect of missense changes on protein structure and function (SIFT, PolyPhen-2, Align-GVGD) all suggest that this variant is likely to be disruptive. This variant has not been reported in the literature in individuals affected with SNX27-related conditions. This variant is not present in population databases (gnomAD no frequency). This sequence change replaces histidine, which is basic and polar, with arginine, which is basic and polar, at codon 382 of the SNX27 protein (p.His382Arg).

NM_001330723.2(SNX27):c.1145A>G (p.His382Arg)

Gene: SNX27 (sorting nexin 27; plus strand). Cytogenetic location: 1q21.3.
Variant type: single nucleotide variant.
Coding change: c.1145A>G on transcript NM_001330723.2 (MANE Select); coding-DNA position 1145, A replaced by G.
Protein change: p.His382Arg; replaces histidine 382 with arginine.
Molecular consequence: missense variant.
Genome position (GRCh38, 1-based): chr1:151,668,631, A>G. VCF-style: chr1-151668631-A-G. GRCh37 (hg19) VCF-style: chr1-151641107-A-G.
Other names: c.1145A>G, p.His382Arg (NM_030918.6); short protein forms H382R.
Identifiers: ClinVar variation 1965413 (VCV001965413.3), dbSNP rs750946537, ClinGen allele CA30493838.
Genomic context (GRCh38, chr1:151,668,631, plus strand): 5'-TTACAACAGAAGAAGAAATTCTCTTAAATGACAATGACCTTGCTGTTACCTACTTCTTTC[A>G]TCAGGTAGGTGAATTGATCTTCTTGAAAGGCACAATTTCTTTTTATGTTTGAATATAGTT-3'
Protein context (NP_001317652.1, residues 372-392): DNDLAVTYFF[His382Arg]QAVDDVKKGY